The following is an entry in ClinVar:

Single allele

Gene: FANCA (FA complementation group A; minus strand). Cytogenetic location: 16q24.3.
Variant type: Deletion.
Identifiers: ClinVar variation 402243 (VCV000402243.1).

ClinVar aggregate classification (germline): Likely pathogenic (1 of 4 stars; one submission).

Conditions:
Fanconi anemia complementation group A (FANCA). Also called: FANCA-Related Fanconi Anemia; Fanconi anemia, group A. Identifiers: Orphanet 84, MedGen C3469521, MONDO:0009215, OMIM 227650.

Submission:

Knight Diagnostic Laboratories, Oregon Health and Sciences University
Classification: Likely pathogenic for Fanconi anemia complementation group A. Last evaluated: 2016-04-01. Review status: criteria provided, single submitter. Criteria: ACMG Guidelines, 2015. Collection method: clinical testing. Allele origin: germline. Affected: no. Study: CSER-NextGen.
Comment: The c.1627-?_2778+?del deletion in the FANCA gene is novel, however, similar sized deletions in the same genomic vicinity have been previously reported as pathogenic (deletion of exons 18-25: Moghrabi et al. 2009) (deletion of exons 21-29: Castella et al., 2011). Mutations in the coding region of FANCA account for approximately 60-70% of Fanconi Anemia Complementation Group A (FA-A) patients, and approximately 10% of pathogenic mutations are large, multi-exonic deletions (Castella et al., 2011). This deletion encompasses amino acids 543-926 in the FANCA protein, and removes a portion of the BRCA-interacting region (amino acids 740-1083) as well as three important phosphoserines (amino acids 849, 850 and 858) (Folias et al., 2002). In addition, this deletion also disrupts a known nuclear export sequence (amino acids 860-880), which would effectively abolish protein transport from the nucleus to the cytoplasm (Ferrer et al., 2005). Therefore, this novel 11-exon deletion is expected to severely truncate the FANCA protein and compromise its function. The collective evidence supports the classification of the c.1627-?_2778+?del as a recessive likely pathogenic variant for Fanconi Anemia, Complementation Group A.